The following is an entry in ClinVar:

NM_198904.4(GABRG2):c.717A>G (p.Gln239=)

Gene: GABRG2 (gamma-aminobutyric acid type A receptor subunit gamma2; plus strand). Cytogenetic location: 5q34.
Variant type: single nucleotide variant.
Coding change: c.717A>G on transcript NM_198904.4 (MANE Select); coding-DNA position 717, A replaced by G.
Protein change: p.Gln239=; no amino-acid change (glutamine 239 retained).
Molecular consequence: synonymous variant.
Genome position (GRCh38, 1-based): chr5:162,103,974, A>G. VCF-style: chr5-162103974-A-G. GRCh37 (hg19) VCF-style: chr5-161530980-A-G.
Other names: p.Q239Q:CAA>CAG; c.717A>G, p.Gln239= (NM_000816.3, NM_001375340.1, NM_001375341.1 and 2 more transcripts); c.708A>G, p.Gln236= (NM_001375339.1); c.837A>G, p.Gln279= (NM_001375343.1, NM_198903.2); c.651A>G, p.Gln217= (NM_001375345.1, NM_001375346.1); c.630A>G, p.Gln210= (NM_001375347.1); c.297A>G, p.Gln99= (NM_001375348.1, NM_001375350.1); c.432A>G, p.Gln144= (NM_001375349.1).
Identifiers: ClinVar variation 129129 (VCV000129129.27), dbSNP rs78261481, ClinGen allele CA288880.

ClinVar aggregate classification (germline): Benign/Likely benign. Review status: criteria provided, multiple submitters, no conflicts (2 of 4 stars). 8 submissions from 8 submitters: Benign (5); Likely benign (2). 1 of the submissions does not count toward it. Last evaluated 2026-01-28.

Conditions:
Inborn genetic diseases. Identifiers: MedGen C0950123, MeSH D030342.
EPILEPSY, CHILDHOOD ABSENCE, SUSCEPTIBILITY TO, 2 (ECA2). Identifiers: Orphanet 64280, MedGen C1843244, OMIM 607681.
Febrile seizures, familial, 8 (FEB8). Also called: CONVULSIONS, FAMILIAL FEBRILE, 8. Identifiers: Orphanet 36387, MedGen C1969810, MONDO:0011891, OMIM 607681.

Allele frequency attached by ClinVar (database versions not stated): gnomAD exomes 0.00051 and 0.00123; ExAC 0.00158; gnomAD 0.00466 and 0.00489; TOPMed 0.00500; ESP Exome Variant Server 0.00584; 1000 Genomes Project 0.00739; 1000 Genomes Project 30x 0.00781.
gnomAD v4.1: 1,474 of 1,614,018 alleles (0.091%); highest among the groups gnomAD compares: African/African-American, 1.8%; 14 homozygotes.

Submissions (8):

Labcorp Genetics (formerly Invitae), Labcorp
Classification: Benign for Febrile seizures, familial, 8; EPILEPSY, CHILDHOOD ABSENCE, SUSCEPTIBILITY TO, 2. Last evaluated: 2026-01-28. Review status: criteria provided, single submitter. Criteria: Invitae Variant Classification Sherloc (09022015). Collection method: clinical testing. Allele origin: germline.

Blueprint Genetics
Classification: Likely benign. Last evaluated: 2024-11-26. Review status: criteria provided, single submitter. Criteria: ACMG Guidelines, 2015. Collection method: clinical testing. Allele origin: germline.

ARUP Laboratories, Molecular Genetics and Genomics, ARUP Laboratories
Classification: Benign. Last evaluated: 2024-10-11. Review status: criteria provided, single submitter. Criteria: ARUP Molecular Germline Variant Investigation Process 2024. Collection method: clinical testing. Allele origin: germline.

Illumina Laboratory Services, Illumina
Classification: Likely benign for Febrile seizures, familial, 8. Last evaluated: 2017-04-27. Review status: criteria provided, single submitter. Criteria: ICSL Variant Classification Criteria 13 December 2019. Collection method: clinical testing. Allele origin: germline.
Comment: This variant was observed as part of a predisposition screen in an ostensibly healthy population. A literature search was performed for the gene, cDNA change, and amino acid change (where applicable). No publications were found based on this search. Allele frequency data from public databases allowed determination this variant is unlikely to cause disease. Therefore, this variant is classified as likely benign.

Ambry Genetics
Classification: Benign for Inborn genetic diseases. Last evaluated: 2016-04-15. Review status: criteria provided, single submitter. Criteria: Ambry Variant Classification Scheme 2023. Collection method: clinical testing. Allele origin: germline.

GeneDx
Classification: Benign. Last evaluated: 2013-02-07. Review status: criteria provided, single submitter. Criteria: GeneDx Variant Classification (06012015). Collection method: clinical testing. Allele origin: germline. Affected: yes.
Comment: This variant is considered likely benign or benign based on one or more of the following criteria: it is a conservative change, it occurs at a poorly conserved position in the protein, it is predicted to be benign by multiple in silico algorithms, and/or has population frequency not consistent with disease.

PreventionGenetics, part of Exact Sciences
Classification: Benign. Review status: criteria provided, single submitter. Criteria: ACMG Guidelines, 2015. Collection method: clinical testing. Allele origin: germline.

Genetic Services Laboratory, University of Chicago
Classification: Likely benign for AllHighlyPenetrant. Review status: no assertion criteria provided. Collection method: clinical testing. Allele origin: germline. Inheritance: Autosomal dominant inheritance. Not counted in ClinVar's aggregate classification.
Comment: Likely benign based on allele frequency in 1000 Genomes Project or ESP global frequency and its presence in a patient with a rare or unrelated disease phenotype. NOT Sanger confirmed.